The following is an entry in ClinVar:

NM_005104.4(BRD2):c.1515A>G (p.Glu505=)

Gene: BRD2 (bromodomain containing 2; plus strand). Cytogenetic location: 6p21.32.
Variant type: single nucleotide variant.
Coding change: c.1515A>G on transcript NM_005104.4 (MANE Select); coding-DNA position 1515, A replaced by G.
Protein change: p.Glu505=; no amino-acid change (glutamic acid 505 retained).
Molecular consequence: synonymous variant.
Genome position (GRCh38, 1-based): chr6:32,977,942, A>G. VCF-style: chr6-32977942-A-G. GRCh37 (hg19) VCF-style: chr6-32945719-A-G.
Other names: c.1515A>G, p.Glu505= (NM_001199455.1, NM_001113182.3); c.1374A>G, p.Glu458= (NM_001199456.2); c.1155A>G, p.Glu385= (NM_001291986.2); c.1374A>G (NM_001199456.1).
Identifiers: ClinVar variation 752758 (VCV000752758.6), dbSNP rs55778408, ClinGen allele CA3748582.

ClinVar aggregate classification (germline): Benign. Review status: criteria provided, single submitter (1 of 4 stars). 2 submissions from 2 submitters: Benign (1). 1 of the submissions does not count toward it. Last evaluated 2019-12-31.

Conditions:
BRD2-related disorder. Also called: BRD2-related condition.

Allele frequency attached by ClinVar (database versions not stated): gnomAD 0.00019 and 0.00042; gnomAD exomes 0.00025 and 0.00082; TOPMed 0.00050; ExAC 0.00096; 1000 Genomes Project 30x 0.00250; 1000 Genomes Project 0.00280.
gnomAD v4.1: 440 of 1,612,730 alleles (0.027%); highest among the groups gnomAD compares: East Asian, 0.68%; 1 homozygote.

Submissions (2):

Labcorp Genetics (formerly Invitae), Labcorp
Classification: Benign. Last evaluated: 2019-12-31. Review status: criteria provided, single submitter. Criteria: Invitae Variant Classification Sherloc (09022015). Collection method: clinical testing. Allele origin: germline.

PreventionGenetics, part of Exact Sciences
Classification: Benign for BRD2-related condition. Last evaluated: 2019-09-17. Review status: no assertion criteria provided. Collection method: clinical testing. Allele origin: germline. Not counted in ClinVar's aggregate classification.
Comment: This variant is classified as benign based on ACMG/AMP sequence variant interpretation guidelines (Richards et al. 2015 PMID: 25741868, with internal and published modifications).